The following is an entry in ClinVar:

NM_013275.6(ANKRD11):c.7684G>A (p.Glu2562Lys)

Gene: ANKRD11 (ankyrin repeat domain 11; minus strand). Cytogenetic location: 16q24.3.
Variant type: single nucleotide variant.
Coding change: c.7684G>A on transcript NM_013275.6 (MANE Select); coding-DNA position 7684, G replaced by A.
Protein change: p.Glu2562Lys; replaces glutamic acid 2562 with lysine.
Molecular consequence: missense variant.
Genome position (GRCh38, 1-based): chr16:89,274,843, C>T on the plus strand (G>A on the coding strand, the complement: ANKRD11 is on the minus strand). VCF-style: chr16-89274843-C-T. GRCh37 (hg19) VCF-style: chr16-89341251-C-T.
Other names: c.7684G>A, p.Glu2562Lys (NM_001256182.2, NM_001256183.2); short protein forms E2562K.
Identifiers: ClinVar variation 1698742 (VCV001698742.5), dbSNP rs2151701503, ClinGen allele CA397147514.

ClinVar aggregate classification (germline): Likely pathogenic. Review status: criteria provided, multiple submitters, no conflicts (2 of 4 stars). 2 submissions from 2 submitters: Likely pathogenic (2). Last evaluated 2026-06-29.

Conditions:
KBG syndrome (KBGS). Also called: ANKRD11-Related KBG Syndrome. Identifiers: Orphanet 2332, MedGen C0220687, MONDO:0007846, OMIM 148050.

Submissions (2):

GeneDx
Classification: Likely pathogenic. Last evaluated: 2026-06-29. Review status: criteria provided, single submitter. Criteria: GeneDx Variant Classification Process June 2021. Collection method: clinical testing. Allele origin: germline.
Comment: Not observed at significant frequency in large population cohorts (gnomAD); In silico analysis supports that this missense variant has a deleterious effect on protein structure/function; Has not been previously published as pathogenic or benign to our knowledge

Genetics and Molecular Pathology, SA Pathology
Classification: Likely pathogenic for KBG syndrome. Last evaluated: 2020-09-16. Review status: criteria provided, single submitter. Criteria: ACMG Guidelines, 2015. Collection method: clinical testing. Allele origin: germline. Affected: yes.